The following is an entry in ClinVar:

NM_080680.3(COL11A2):c.191G>A (p.Arg64Gln)

Gene: COL11A2 (collagen type XI alpha 2 chain; minus strand). Cytogenetic location: 6p21.32.
Variant type: single nucleotide variant.
Coding change: c.191G>A on transcript NM_080680.3 (MANE Select); coding-DNA position 191, G replaced by A.
Protein change: p.Arg64Gln; replaces arginine 64 with glutamine.
Molecular consequence: missense variant.
Genome position (GRCh38, 1-based): chr6:33,189,361, C>T on the plus strand (G>A on the coding strand, the complement: COL11A2 is on the minus strand). VCF-style: chr6-33189361-C-T. GRCh37 (hg19) VCF-style: chr6-33157138-C-T.
Other names: c.191G>A, p.Arg64Gln (NM_001163771.2, NM_080679.3, NM_080681.3); short protein forms R64Q.
Identifiers: ClinVar variation 904929 (VCV000904929.15), dbSNP rs374898022, ClinGen allele CA3751742.

ClinVar aggregate classification (germline): Conflicting classifications of pathogenicity. Review status: criteria provided, conflicting classifications (1 of 4 stars). 7 submissions from 5 submitters: Uncertain significance (5); Benign (1); Likely benign (1). Last evaluated 2026-06-25.

Conditions:
COL11A2-related disorder. Also called: COL11A2-related condition; COL11A2-related disorders.
Fibrochondrogenesis 2 (FBCG2). Identifiers: Orphanet 2021, MedGen C3281128, MONDO:0013795, OMIM 614524.
Otospondylomegaepiphyseal dysplasia, autosomal dominant (OSMEDA). Also called: Pierre Robin syndrome with fetal chondrodysplasia; Stickler syndrome, type 3; COL11A2-Related Stickler Syndrome. Identifiers: Orphanet 166100, Orphanet 3450, MedGen C1848488, MONDO:0008490, OMIM 184840.
Otospondylomegaepiphyseal dysplasia, autosomal recessive (OSMEDB). Also called: Insley-Astley syndrome; CHONDRODYSTROPHY WITH SENSORINEURAL DEAFNESS. Identifiers: Orphanet 1427, MedGen CN034493, MONDO:0044206, OMIM 215150.

Allele frequency attached by ClinVar (database versions not stated): gnomAD 0.00004 and 0.00007; TOPMed 0.00004; gnomAD exomes 0.00007; ExAC 0.00008; 1000 Genomes Project 30x 0.00016; 1000 Genomes Project 0.00020.
gnomAD v4.1: 43 of 1,613,438 alleles (0.0027%); highest among the groups gnomAD compares: East Asian, 0.049%; no homozygotes.

Submissions (7):

PreventionGenetics, part of Exact Sciences
Classification: Uncertain significance for COL11A2-related condition. Last evaluated: 2026-06-25. Review status: criteria provided, single submitter. Criteria: ACMG Guidelines, 2015. Collection method: clinical testing. Allele origin: germline.
Comment: The COL11A2 c.191G>A variant is predicted to result in the amino acid substitution p.Arg64Gln. To our knowledge, this variant has not been reported in the literature. This variant is reported in 0.081% of alleles in individuals of East Asian descent in gnomAD. Although we suspect that this variant may be benign, at this time, the clinical significance of this variant is uncertain due to the absence of conclusive functional and genetic evidence.

GeneDx
Classification: Uncertain significance. Last evaluated: 2026-06-11. Review status: criteria provided, single submitter. Criteria: GeneDx Variant Classification Process June 2021. Collection method: clinical testing. Allele origin: germline.
Comment: In silico analysis suggests that this missense variant does not alter protein structure/function; Has not been previously published as pathogenic or benign to our knowledge

Women's Health and Genetics/Laboratory Corporation of America, LabCorp
Classification: Uncertain significance. Last evaluated: 2026-05-12. Review status: criteria provided, single submitter. Criteria: LabCorp Variant Classification Summary - May 2015. Collection method: clinical testing. Allele origin: germline.

Labcorp Genetics (formerly Invitae), Labcorp
Classification: Likely benign. Last evaluated: 2025-12-26. Review status: criteria provided, single submitter. Criteria: Invitae Variant Classification Sherloc (09022015). Collection method: clinical testing. Allele origin: germline.

Illumina Laboratory Services, Illumina
Classification: Uncertain significance for Fibrochondrogenesis 2. Last evaluated: 2018-01-13. Review status: criteria provided, single submitter. Criteria: ICSL Variant Classification Criteria 13 December 2019. Collection method: clinical testing. Allele origin: germline.

Illumina Laboratory Services, Illumina
Classification: Benign for Otospondylomegaepiphyseal dysplasia, autosomal recessive. Last evaluated: 2018-01-13. Review status: criteria provided, single submitter. Criteria: ICSL Variant Classification Criteria 13 December 2019. Collection method: clinical testing. Allele origin: germline.
Comment: This variant was observed in the ICSL laboratory as part of a predisposition screen in an ostensibly healthy population. It had not been previously curated by ICSL or reported in the Human Gene Mutation Database (HGMD: prior to June 1st, 2018), and was therefore a candidate for classification through an automated scoring system. Utilizing variant allele frequency, disease prevalence and penetrance estimates, and inheritance mode, an automated score was calculated to assess if this variant is too frequent to cause the disease. Based on the score and internal cut-off values, a variant classified as benign is not then subjected to further curation. The score for this variant resulted in a classification of benign for this disease.

Illumina Laboratory Services, Illumina
Classification: Uncertain significance for Otospondylomegaepiphyseal dysplasia, autosomal dominant. Last evaluated: 2018-01-13. Review status: criteria provided, single submitter. Criteria: ICSL Variant Classification Criteria 13 December 2019. Collection method: clinical testing. Allele origin: germline.